The following is an entry in ClinVar:

ClinVar aggregate classification (germline): Uncertain significance (1 of 4 stars; one submission).

Conditions:
Primary open angle glaucoma (POAG). Also called: OPTN-related open angle glaucoma. Identifiers: MedGen C0339573, MONDO:0100553, OMIM 137760.
Glaucoma 1, open angle, E. Identifiers: MedGen C1842026, MONDO:0007665.
Amyotrophic lateral sclerosis type 12 (ALS12). Also called: AMYOTROPHIC LATERAL SCLEROSIS 12 WITH OR WITHOUT FRONTOTEMPORAL DEMENTIA. Identifiers: Orphanet 803, MedGen C3150692, MONDO:0013264, OMIM 613435.

Submission:

Labcorp Genetics (formerly Invitae), Labcorp
Classification: Uncertain significance for Primary open angle glaucoma; Glaucoma 1, open angle, E; Amyotrophic lateral sclerosis type 12. Last evaluated: 2024-07-16. Review status: criteria provided, single submitter. Criteria: Invitae Variant Classification Sherloc (09022015). Collection method: clinical testing. Allele origin: germline.
Comment: This sequence change replaces glutamic acid, which is acidic and polar, with lysine, which is basic and polar, at codon 103 of the OPTN protein (p.Glu103Lys). This variant is present in population databases (rs759022584, gnomAD 0.003%). This variant has not been reported in the literature in individuals affected with OPTN-related conditions. Advanced modeling of protein sequence and biophysical properties (such as structural, functional, and spatial information, amino acid conservation, physicochemical variation, residue mobility, and thermodynamic stability) performed at Invitae indicates that this missense variant is expected to disrupt OPTN protein function with a positive predictive value of 80%. In summary, the available evidence is currently insufficient to determine the role of this variant in disease. Therefore, it has been classified as a Variant of Uncertain Significance.

NM_001008212.2(OPTN):c.307G>A (p.Glu103Lys)

Genes: OPTN (optineurin; plus strand), LOC108903148 (10p13 OPTN distal Alu-mediated recombination region; plus strand). Cytogenetic location: 10p13.
Variant type: single nucleotide variant.
Coding change: c.307G>A on transcript NM_001008212.2 (MANE Select); coding-DNA position 307, G replaced by A.
Protein change: p.Glu103Lys; replaces glutamic acid 103 with lysine.
Molecular consequence: missense variant.
Genome position (GRCh38, 1-based): chr10:13,110,414, G>A. VCF-style: chr10-13110414-G-A. GRCh37 (hg19) VCF-style: chr10-13152414-G-A.
Other names: c.307G>A, p.Glu103Lys (NM_001008211.1, NM_001008213.1, NM_021980.4); short protein forms E103K.
Identifiers: ClinVar variation 3762227 (VCV003762227.2).